The following is an entry in ClinVar:

ClinVar aggregate classification (germline): Uncertain significance (1 of 4 stars; one submission).

Allele frequency attached by ClinVar (database versions not stated): gnomAD exomes below 0.00001; TOPMed below 0.00001; gnomAD 0.00001.
gnomAD v4.1: 15 of 1,614,104 alleles (0.00093%); highest among the groups gnomAD compares: Non-Finnish European, 0.0013%; no homozygotes.

Submission:

Labcorp Genetics (formerly Invitae), Labcorp
Classification: Uncertain significance. Last evaluated: 2022-07-11. Review status: criteria provided, single submitter. Criteria: Invitae Variant Classification Sherloc (09022015). Collection method: clinical testing. Allele origin: germline.
Comment: In summary, the available evidence is currently insufficient to determine the role of this variant in disease. Therefore, it has been classified as a Variant of Uncertain Significance. Algorithms developed to predict the effect of missense changes on protein structure and function are either unavailable or do not agree on the potential impact of this missense change (SIFT: "Deleterious"; PolyPhen-2: "Probably Damaging"; Align-GVGD: "Class C0"). ClinVar contains an entry for this variant (Variation ID: 956789). This variant has not been reported in the literature in individuals affected with CNGB1-related conditions. This variant is present in population databases (no rsID available, gnomAD 0.0009%). This sequence change replaces serine, which is neutral and polar, with asparagine, which is neutral and polar, at codon 647 of the CNGB1 protein (p.Ser647Asn).

NM_001297.5(CNGB1):c.1940G>A (p.Ser647Asn)

Gene: CNGB1 (cyclic nucleotide gated channel subunit beta 1; minus strand). Cytogenetic location: 16q21.
Variant type: single nucleotide variant.
Coding change: c.1940G>A on transcript NM_001297.5 (MANE Select); coding-DNA position 1940, G replaced by A.
Protein change: p.Ser647Asn; replaces serine 647 with asparagine.
Molecular consequence: missense variant.
Genome position (GRCh38, 1-based): chr16:57,919,116, C>T on the plus strand (G>A on the coding strand, the complement: CNGB1 is on the minus strand). VCF-style: chr16-57919116-C-T. GRCh37 (hg19) VCF-style: chr16-57953020-C-T.
Other names: c.1922G>A, p.Ser641Asn (NM_001286130.2); short protein forms S641N, S647N.
Identifiers: ClinVar variation 956789 (VCV000956789.9), dbSNP rs955856871, ClinGen allele CA396065468.